The following is an entry in ClinVar:

ClinVar aggregate classification (germline): Benign. Review status: reviewed by expert panel (3 of 4 stars). 36 submissions from 36 submitters: Benign (1). 35 of the submissions do not count toward it. Last evaluated 2015-08-10.
ClinVar aggregate classification (somatic clinical impact): Tier IV - Benign/Likely benign (0 of 4 stars; one submission).

Conditions:
BRCA1-related cancer predisposition. Identifiers: MedGen CN377757, MONDO:0700268.
Breast-ovarian cancer, familial, susceptibility to, 1 (BROVCA1). Also called: BRCA1 Hereditary Breast and Ovarian Cancer; OVARIAN CANCER, SUSCEPTIBILITY TO. Identifiers: Orphanet 145, MedGen C2676676, MONDO:0011450, OMIM 604370. Disease mechanism: loss of function.
Fanconi anemia, complementation group S (FANCS). Identifiers: MedGen C4554406, MONDO:0054748, OMIM 617883.
Pancreatic cancer, susceptibility to, 4. Identifiers: Orphanet 1333, MedGen C3280442, MONDO:0013685, OMIM 614320.
Familial cancer of breast. Also called: Hereditary breast cancer; BREAST CANCER, FAMILIAL; hereditary breast carcinoma. Identifiers: Orphanet 227535, MedGen C0346153, MONDO:0016419, OMIM 114480. Disease mechanism: loss of function.
Hereditary cancer-predisposing syndrome. Also called: Neoplastic Syndromes, Hereditary; Tumor predisposition; Hereditary Cancer Syndrome; Hereditary neoplastic syndrome. Identifiers: Orphanet 140162, MedGen C0027672, MeSH D009386, MONDO:0015356.
Hereditary breast ovarian cancer syndrome. Also called: Hereditary breast and ovarian cancer; Hereditary breast and ovarian cancer syndrome; Hereditary breast and ovarian cancer syndrome (HBOC); Hereditary breast and/or ovarian cancer syndrome; Breast and ovarian cancer; BRCA1- and BRCA2-Associated Hereditary Breast and Ovarian Cancer. Identifiers: Orphanet 145, MedGen C0677776, MeSH D061325, MONDO:0003582. Disease mechanism: loss of function.

Allele frequency attached by ClinVar (database versions not stated): TOPMed 0.05356; gnomAD exomes 0.07131 and 0.05843; 1000 Genomes Project 0.03355; 1000 Genomes Project 30x 0.03389; ExAC 0.05681; gnomAD 0.05782 and 0.05684; ESP Exome Variant Server 0.05429.
gnomAD v4.1: 112,589 of 1,613,950 alleles (7%); highest among the groups gnomAD compares: Non-Finnish European, 7.8%; 4,445 homozygotes.

Submissions 1 to 17 of 37:

Evidence-based Network for the Interpretation of Germline Mutant Alleles (ENIGMA)
Classification: Benign for Breast-ovarian cancer, familial 1. Last evaluated: 2015-08-10. Review status: reviewed by expert panel. Criteria: ENIGMA BRCA1/2 Classification Criteria (2015). Collection method: curation. Allele origin: germline.
Comment: IARC class based on posterior probability from multifactorial likelihood analysis, thresholds for class as per Plon et al. 2008 (PMID: 18951446). Class 1 based on posterior probability = 0.00000000000204. Also class 1 based on frequency >1% in an outbred sampleset. Frequency 0.01016 (African), 0.08443 (European), derived from 1000 genomes (2012-04-30).

Labcorp Genetics (formerly Invitae), Labcorp
Classification: Benign for Hereditary breast ovarian cancer syndrome. Last evaluated: 2026-02-04. Review status: criteria provided, single submitter. Criteria: Invitae Variant Classification Sherloc (09022015). Collection method: clinical testing. Allele origin: germline. Not counted in ClinVar's aggregate classification.

CeGaT Center for Human Genetics Tuebingen
Classification: Benign. Last evaluated: 2025-09-01. Review status: criteria provided, single submitter. Criteria: CeGaT Center For Human Genetics Tuebingen Variant Classification Criteria Version 2. Collection method: clinical testing. Allele origin: germline. Affected: yes. Observed: 1 variant allele. Not counted in ClinVar's aggregate classification.
Comment: BRCA1: BP4, BS1, BS2

ARUP Laboratories, Molecular Genetics and Genomics, ARUP Laboratories
Classification: Benign. Last evaluated: 2025-07-30. Review status: criteria provided, single submitter. Criteria: ARUP Molecular Germline Variant Investigation Process 2024. Collection method: clinical testing. Allele origin: germline. Not counted in ClinVar's aggregate classification.

Blueprint Genetics
Classification: Likely benign. Last evaluated: 2024-11-28. Review status: criteria provided, single submitter. Criteria: ACMG Guidelines, 2015. Collection method: clinical testing. Allele origin: germline. Not counted in ClinVar's aggregate classification.

All of Us Research Program, National Institutes of Health
Classification: Benign for BRCA1-related cancer predisposition. Last evaluated: 2024-10-02. Review status: criteria provided, single submitter. Criteria: ACMG Guidelines, 2015. Collection method: clinical testing. Allele origin: germline. Inheritance: Autosomal dominant inheritance. Observed: 18,287 variant alleles, 17,531 heterozygotes, 752 homozygotes, 4 hemizygotes. Not counted in ClinVar's aggregate classification.
Comment: This study involves interpretation of variants in research participants for the purpose of population health screening. Participant phenotype was not available at the time of variant classification. Additional details can be found in publication PMID: 35346344, PMCID: PMC8962531

KCCC/NGS Laboratory, Kuwait Cancer Control Center
Classification: Benign for Breast-ovarian cancer, familial, susceptibility to, 1. Last evaluated: 2023-07-07. Review status: criteria provided, single submitter. Criteria: ACMG Guidelines, 2015. Collection method: clinical testing. Allele origin: germline. Affected: yes. Not counted in ClinVar's aggregate classification.

National Health Laboratory Service, Universitas Academic Hospital and University of the Free State
Classification: Benign for Hereditary breast ovarian cancer syndrome. Last evaluated: 2022-04-19. Review status: criteria provided, single submitter. Criteria: ACMG Guidelines, 2015. Collection method: clinical testing. Allele origin: germline. Affected: yes. Observed: 56 variant alleles. Not counted in ClinVar's aggregate classification.

Fulgent Genetics
Classification: Benign for Familial cancer of breast; Breast-ovarian cancer, familial, susceptibility to, 1; Pancreatic cancer, susceptibility to, 4; Fanconi anemia, complementation group S. Last evaluated: 2022-03-23. Review status: criteria provided, single submitter. Criteria: ACMG Guidelines, 2015. Collection method: clinical testing. Allele origin: unknown. Not counted in ClinVar's aggregate classification.

Genetics Program, Instituto Nacional de Cancer
Classification: Benign for Hereditary breast ovarian cancer syndrome. Last evaluated: 2021-11-01. Review status: criteria provided, single submitter. Criteria: ACMG Guidelines, 2015. Collection method: research. Allele origin: germline. Affected: yes. Not counted in ClinVar's aggregate classification.

Sema4
Classification: Benign for Hereditary cancer-predisposing syndrome. Last evaluated: 2020-01-10. Review status: criteria provided, single submitter. Criteria: Sema4 Curation Guidelines. Collection method: curation. Allele origin: germline. Not counted in ClinVar's aggregate classification.

Illumina Laboratory Services, Illumina
Classification: Benign for Breast-ovarian cancer, familial, susceptibility to, 1. Last evaluated: 2018-03-06. Review status: criteria provided, single submitter. Criteria: ICSL Variant Classification Criteria 13 December 2019. Collection method: clinical testing. Allele origin: germline. Not counted in ClinVar's aggregate classification.
Comment: This variant was observed in the ICSL laboratory as part of a predisposition screen in an ostensibly healthy population. It had not been previously curated by ICSL or reported in the Human Gene Mutation Database (HGMD: prior to June 1st, 2018), and was therefore a candidate for classification through an automated scoring system. Utilizing variant allele frequency, disease prevalence and penetrance estimates, and inheritance mode, an automated score was calculated to assess if this variant is too frequent to cause the disease. Based on the score and internal cut-off values, a variant classified as benign is not then subjected to further curation. The score for this variant resulted in a classification of benign for this disease.

GeneKor MSA
Classification: Benign. Last evaluated: 2017-11-01. Review status: criteria provided, single submitter. Criteria: ACMG Guidelines, 2015. Collection method: clinical testing. Allele origin: germline. Affected: yes. Not counted in ClinVar's aggregate classification.

Cancer Genetics and Genomics Laboratory, British Columbia Cancer Agency
Classification: Benign. Last evaluated: 2017-04-18. Review status: criteria provided, single submitter. Criteria: ACMG Guidelines, 2015. Collection method: clinical testing. Allele origin: germline. Study: The Canadian Open Genetics Repository (COGR). Not counted in ClinVar's aggregate classification.

Baylor Genetics
Classification: Benign for Familial cancer of breast. Last evaluated: 2017-02-23. Review status: criteria provided, single submitter. Criteria: ACMG Guidelines, 2015. Collection method: clinical testing. Allele origin: germline. Inheritance: Autosomal dominant inheritance. Affected: no. Not counted in ClinVar's aggregate classification.

Clinical Genetics DNA and cytogenetics Diagnostics Lab, Erasmus MC, Erasmus Medical Center
Classification: Benign for Breast-ovarian cancer, familial, susceptibility to, 1. Last evaluated: 2015-09-21. Review status: criteria provided, single submitter. Criteria: ACGS Guidelines, 2013. Collection method: clinical testing. Allele origin: germline. Affected: yes. Study: VKGL Data-share Consensus. Not counted in ClinVar's aggregate classification.

Eurofins Ntd Llc (ga)
Classification: Benign. Last evaluated: 2015-03-25. Review status: criteria provided, single submitter. Criteria: EGL Classification Definitions 2015. Collection method: clinical testing. Allele origin: germline. Observed: 51 variant alleles, 50 heterozygotes, 1 homozygote. Not counted in ClinVar's aggregate classification.

NM_007294.4(BRCA1):c.2077G>A (p.Asp693Asn)

Gene: BRCA1 (BRCA1 DNA repair associated; minus strand). Cytogenetic location: 17q21.31.
Variant type: single nucleotide variant.
Coding change: c.2077G>A on transcript NM_007294.4 (MANE Select); coding-DNA position 2077, G replaced by A.
Protein change: p.Asp693Asn; replaces aspartic acid 693 with asparagine.
Molecular consequence: missense variant. On other transcripts: intron variant (137).
Genome position (GRCh38, 1-based): chr17:43,093,454, C>T on the plus strand (G>A on the coding strand, the complement: BRCA1 is on the minus strand). VCF-style: chr17-43093454-C-T. GRCh37 (hg19) VCF-style: chr17-41245471-C-T.
Other names: p.D693N:GAC>AAC; 2196G>A; c.2077G>A, p.Asp693Asn (NM_001407596.1, NM_001407597.1, NM_001407598.1 and 30 more transcripts); c.2074G>A, p.Asp692Asn (NM_001407610.1, NM_001407611.1, NM_001407612.1 and 22 more transcripts); c.2068G>A, p.Asp690Asn (NM_001407646.1, NM_001407647.1); c.1954G>A, p.Asp652Asn (NM_001407648.1, NM_001407664.1, NM_001407665.1 and 19 more transcripts); c.1951G>A, p.Asp651Asn (NM_001407649.1, NM_001407670.1, NM_001407671.1 and 11 more transcripts); c.1999G>A, p.Asp667Asn (NM_001407653.1, NM_001407654.1, NM_001407655.1 and 4 more transcripts); and 42 more; short protein forms D693N, D646N, D582N, D605N, D622N, D652N, D690N, D397N.
Identifiers: ClinVar variation 41808 (VCV000041808.102), dbSNP rs4986850, ClinGen allele CA001376.
Genomic context (GRCh38, chr17:43,093,454, plus strand): 5'-AACACTTAGTAAAAGAACCAGGTGCATTTGTTAACTTCAGCTCTGGGAAAGTATCGCTGT[C>T]ATGTCTTTTACTTGTCTGTTCATTTGGCTTGTTACTCTTCTTGGCTCCAGTTGCAGGTTC-3'
Protein context (NP_009225.1, residues 683-703): KPNEQTSKRH[Asp693Asn]SDTFPELKLT